The following is an entry in ClinVar:

NM_000271.5(NPC1):c.2973G>C (p.Gln991His)

Gene: NPC1 (NPC intracellular cholesterol transporter 1; minus strand). Cytogenetic location: 18q11.2.
Variant type: single nucleotide variant.
Coding change: c.2973G>C on transcript NM_000271.5 (MANE Select); coding-DNA position 2973, G replaced by C.
Protein change: p.Gln991His; replaces glutamine 991 with histidine.
Molecular consequence: missense variant.
Genome position (GRCh38, 1-based): chr18:23,538,610, C>G on the plus strand (G>C on the coding strand, the complement: NPC1 is on the minus strand). VCF-style: chr18-23538610-C-G. GRCh37 (hg19) VCF-style: chr18-21118574-C-G.
Other names: short protein forms Q991H.
Identifiers: ClinVar variation 1413165 (VCV001413165.7), dbSNP rs201118975, ClinGen allele CA297080743.
Genomic context (GRCh38, chr18:23,538,610, plus strand): 5'-ACACTTGGGGTTAGGGTTATCCGAAAGGAACATGGGCAGGAATCTCATGAAGTCTCCCCC[C>G]TGAGGCCTCTGTTTGCCTTCCGGAGTCAGAGGCCTGCAGCGAACGCAGGCAGGGTCAACC-3'
Protein context (NP_000262.2, residues 981-1001): PLTPEGKQRP[Gln991His]GGDFMRFLPM

ClinVar aggregate classification (germline): Uncertain significance. Review status: criteria provided, multiple submitters, no conflicts (2 of 4 stars). 2 submissions from 2 submitters: Uncertain significance (2). Last evaluated 2023-08-10.

Conditions:
Niemann-Pick disease, type C1. Also called: NIEMANN-PICK DISEASE, VARIANT TYPE C1; NEUROVISCERAL STORAGE DISEASE WITH VERTICAL SUPRANUCLEAR OPHTHALMOPLEGIA; NIEMANN-PICK DISEASE WITH CHOLESTEROL ESTERIFICATION BLOCK; NIEMANN-PICK DISEASE WITHOUT SPHINGOMYELINASE DEFICIENCY; NIEMANN-PICK DISEASE, CHRONIC NEURONOPATHIC FORM. Identifiers: Orphanet 646, MedGen C3179455, MONDO:0009757, OMIM 257220.
Intellectual disability. Also called: Intellectual functioning disability; Intellectual developmental disorder; intellectual disabilities. Identifiers: MedGen C3714756, MeSH D008607, MONDO:0001071, HP:0001249.

gnomAD v4.1: 15 of 1,614,020 alleles (0.00093%); highest among the groups gnomAD compares: African/African-American, 0.015%; no homozygotes.

Submissions (2):

Labcorp Genetics (formerly Invitae), Labcorp
Classification: Uncertain significance for Niemann-Pick disease, type C1. Last evaluated: 2023-08-10. Review status: criteria provided, single submitter. Criteria: Invitae Variant Classification Sherloc (09022015). Collection method: clinical testing. Allele origin: germline.
Comment: This sequence change replaces glutamine, which is neutral and polar, with histidine, which is basic and polar, at codon 991 of the NPC1 protein (p.Gln991His). This variant is present in population databases (no rsID available, gnomAD 0.01%). This variant has not been reported in the literature in individuals affected with NPC1-related conditions. ClinVar contains an entry for this variant (Variation ID: 1413165). Advanced modeling of protein sequence and biophysical properties (such as structural, functional, and spatial information, amino acid conservation, physicochemical variation, residue mobility, and thermodynamic stability) has been performed at Invitae for this missense variant, however the output from this modeling did not meet the statistical confidence thresholds required to predict the impact of this variant on NPC1 protein function. In summary, the available evidence is currently insufficient to determine the role of this variant in disease. Therefore, it has been classified as a Variant of Uncertain Significance.

Cambridge Genomics Laboratory, East Genomic Laboratory Hub, NHS Genomic Medicine Service
Classification: Uncertain significance for Intellectual disability. Last evaluated: 2019-04-17. Review status: criteria provided, single submitter. Criteria: ACGS Best Practice Guidelines for Variant Classification in Rare Disease 2020. Collection method: clinical testing. Allele origin: germline. Affected: yes. Observed: 1 variant allele.